The following is an entry in ClinVar:

NM_001042492.3(NF1):c.2185del (p.His729fs)

Gene: NF1 (neurofibromin 1; plus strand). Cytogenetic location: 17q11.2.
Variant type: Deletion.
Coding change: c.2185del on transcript NM_001042492.3 (MANE Select); coding-DNA position 2185, one base deleted (C; older notation c.2185delC).
Protein change: p.His729fs; shifts the reading frame from histidine 729.
Molecular consequence: frameshift variant.
Genome position (GRCh38, 1-based): chr17:31,226,618, C deleted. VCF-style (leftmost placement, unchanged base first): chr17-31226617-GC-G. GRCh37 (hg19) VCF-style: chr17-29553635-GC-G.
Other names: c.2185delC, p.His729Ilefs (NM_000267.4); short protein forms H729fs.
Identifiers: ClinVar variation 2811849 (VCV002811849.3), dbSNP rs2508157835, ClinGen allele CA2739267509.
Genomic context (GRCh38, chr17:31,226,617, plus strand): 5'-CTGTTTCCGCCACCTCTGTGAGGAAGCAGATATCCGGTGTGGGGTGGATGAAGTGTCAGT[GC>G]ATAACCTCTTGCCCAACTATAACACATTCATGGAGTTTGCCTCTGTCAGCAATATGATGT-3'

ClinVar aggregate classification (germline): Pathogenic (1 of 4 stars; one submission).

Conditions:
Neurofibromatosis, type 1 (NF1). Also called: NEUROFIBROMATOSIS, TYPE I, SOMATIC; Peripheral type neurofibromatosis; VON RECKLINGHAUSEN DISEASE; Neurofibromatosis, type I. Identifiers: Orphanet 636, MedGen C0027831, MONDO:0018975, OMIM 162200. Disease mechanism: loss of function.

Submission:

Labcorp Genetics (formerly Invitae), Labcorp
Classification: Pathogenic for Neurofibromatosis, type 1. Last evaluated: 2022-11-03. Review status: criteria provided, single submitter. Criteria: Invitae Variant Classification Sherloc (09022015). Collection method: clinical testing. Allele origin: germline.
Comment: For these reasons, this variant has been classified as Pathogenic. This variant has not been reported in the literature in individuals affected with NF1-related conditions. This variant is not present in population databases (gnomAD no frequency). This sequence change creates a premature translational stop signal (p.His729Ilefs*19) in the NF1 gene. It is expected to result in an absent or disrupted protein product. Loss-of-function variants in NF1 are known to be pathogenic (PMID: 10712197, 23913538).

Literature cited by the submitters: PubMed 10712197; PubMed 23913538.